The following is an entry in ClinVar:

NM_001385641.1(SAMD11):c.1619C>A (p.Ala540Glu)

Gene: SAMD11 (sterile alpha motif domain containing 11; plus strand). Cytogenetic location: 1p36.33.
Variant type: single nucleotide variant.
Coding change: c.1619C>A on transcript NM_001385641.1 (MANE Select); coding-DNA position 1619, C replaced by A.
Protein change: p.Ala540Glu; replaces alanine 540 with glutamic acid.
Molecular consequence: missense variant.
Genome position (GRCh38, 1-based): chr1:942,624, C>A. VCF-style: chr1-942624-C-A. GRCh37 (hg19) VCF-style: chr1-878004-C-A.
Other names: c.1130C>A (NM_152486.2); c.1622C>A, p.Ala541Glu (NM_001385640.1); c.1130C>A, p.Ala377Glu (NM_152486.4); short protein forms A540E, A541E, A377E.
Identifiers: ClinVar variation 1045404 (VCV001045404.9), dbSNP rs1384741683, ClinGen allele CA337808494.

ClinVar aggregate classification (germline): Uncertain significance. Review status: criteria provided, multiple submitters, no conflicts (2 of 4 stars). 2 submissions from 2 submitters: Uncertain significance (2). Last evaluated 2026-03-20.

Conditions:
SAMD11-related disorder. Also called: SAMD11-related condition.

Allele frequency attached by ClinVar (database versions not stated): gnomAD 0.00001; TOPMed 0.00001.
gnomAD v4.1: 3 of 1,437,476 alleles (0.00021%); highest among the groups gnomAD compares: East Asian, 0.0031%; no homozygotes.

Submissions (2):

PreventionGenetics, part of Exact Sciences
Classification: Uncertain significance for SAMD11-related condition. Last evaluated: 2026-03-20. Review status: criteria provided, single submitter. Criteria: ACMG Guidelines, 2015. Collection method: clinical testing. Allele origin: germline.
Comment: The SAMD11 c.1130C>A variant is predicted to result in the amino acid substitution p.Ala377Glu. To our knowledge, this variant has not been reported in the literature or in a large population database (gnomAD), indicating this variant is rare. At this time, the clinical significance of this variant is uncertain due to the absence of conclusive functional and genetic evidence.

Labcorp Genetics (formerly Invitae), Labcorp
Classification: Uncertain significance. Last evaluated: 2021-04-24. Review status: criteria provided, single submitter. Criteria: Invitae Variant Classification Sherloc (09022015). Collection method: clinical testing. Allele origin: germline.
Comment: This variant has not been reported in the literature in individuals with SAMD11-related conditions. In summary, the available evidence is currently insufficient to determine the role of this variant in disease. Therefore, it has been classified as a Variant of Uncertain Significance. Algorithms developed to predict the effect of missense changes on protein structure and function are either unavailable or do not agree on the potential impact of this missense change (SIFT: "Deleterious"; PolyPhen-2: "Possibly Damaging"; Align-GVGD: "Class C0"). The frequency data for this variant in the population databases is considered unreliable, as metrics indicate insufficient coverage at this position in the ExAC database. This sequence change replaces alanine with glutamic acid at codon 377 of the SAMD11 protein (p.Ala377Glu). The alanine residue is highly conserved and there is a moderate physicochemical difference between alanine and glutamic acid.